The following is an entry in ClinVar:

ClinVar aggregate classification (germline): Likely pathogenic (1 of 4 stars; one submission).

Conditions:
Dilated cardiomyopathy 1G (CMD1G). Identifiers: Orphanet 154, MedGen C1858763, MONDO:0011400, OMIM 604145.
Autosomal recessive limb-girdle muscular dystrophy type 2J (LGMDR10). Also called: Limb-girdle muscular dystrophy, type 2J; MUSCULAR DYSTROPHY, LIMB-GIRDLE, AUTOSOMAL RECESSIVE 10. Identifiers: Orphanet 140922, MedGen C1837342, MONDO:0012127, OMIM 608807.

Submission:

Labcorp Genetics (formerly Invitae), Labcorp
Classification: Likely pathogenic for Dilated cardiomyopathy 1G; Autosomal recessive limb-girdle muscular dystrophy type 2J. Last evaluated: 2025-02-19. Review status: criteria provided, single submitter. Criteria: Invitae Variant Classification Sherloc (09022015). Collection method: clinical testing. Allele origin: germline.
Comment: This sequence change creates a premature translational stop signal (p.Pro24326Glnfs*76) in the TTN gene. While this is not anticipated to result in nonsense mediated decay, it is expected to create a truncated TTN protein. This variant is not present in population databases (gnomAD no frequency). This variant has not been reported in the literature in individuals affected with TTN-related conditions. This variant is located in the A band of TTN (PMID: 25589632). Truncating variants in this region are significantly overrepresented in patients affected with dilated cardiomyopathy (PMID: 25589632). Truncating variants in this region have also been reported in individuals affected with autosomal recessive centronuclear myopathy (PMID: 23975875). In summary, the currently available evidence indicates that the variant is pathogenic, but additional data are needed to prove that conclusively. Therefore, this variant has been classified as Likely Pathogenic.

Literature cited by the submitters: PubMed 25589632; PubMed 23975875.

NM_001267550.2(TTN):c.72977_72980del (p.Pro24326fs)

Genes: TTN-AS1 (TTN antisense RNA 1; plus strand), TTN (titin; minus strand). Cytogenetic location: 2q31.2.
Variant type: Deletion.
Coding change: c.72977_72980del on transcript NM_001267550.2 (MANE Select); coding-DNA positions 72977 to 72980, 4 bases deleted (CACC; older notation c.72977_72980delCACC).
Protein change: p.Pro24326fs; shifts the reading frame from proline 24326.
Molecular consequence: frameshift variant.
Genome position (GRCh38, 1-based): chr2:178,573,152-178,573,155, GGTG deleted on the plus strand (CACC on the coding strand, the reverse complement: TTN is on the minus strand); deleting any 4 consecutive bases within chr2:178,573,152-178,573,156 gives the same sequence; the c. name uses the placement nearest the transcript's 3' end. VCF-style (leftmost placement, unchanged base first): chr2-178573151-TGGTG-T. GRCh37 (hg19) VCF-style: chr2-179437878-TGGTG-T.
Other names: c.68054_68057del, p.Pro22685fs (NM_001256850.1); c.45782_45785del, p.Pro15261fs (NM_003319.4); c.65273_65276del, p.Pro21758fs (NM_133378.4); c.46157_46160del, p.Pro15386fs (NM_133432.3); c.46358_46361del, p.Pro15453fs (NM_133437.4); short protein forms P15261fs, P15453fs, P24326fs, P21758fs, P15386fs, P22685fs.
Identifiers: ClinVar variation 4784229 (VCV004784229.1).